The following is an entry in ClinVar:

ClinVar aggregate classification (germline): Uncertain significance (1 of 4 stars; one submission).

Conditions:
Arrhythmogenic right ventricular dysplasia 12. Also called: ARRHYTHMOGENIC RIGHT VENTRICULAR DYSPLASIA, FAMILIAL, 12. Identifiers: MedGen C1969081, MONDO:0012684, OMIM 611528.
Naxos disease (NXD). Also called: PALMOPLANTAR KERATODERMA WITH ARRHYTHMOGENIC RIGHT VENTRICULAR CARDIOMYOPATHY AND WOOLLY HAIR; WOOLLY HAIR, PALMOPLANTAR KERATODERMA, AND CARDIAC ABNORMALITIES; KERATOSIS PALMOPLANTARIS WITH ARRHYTHMOGENIC CARDIOMYOPATHY; MAL DE NAXOS; CARDIOMYOPATHY, ARRHYTHMOGENIC RIGHT VENTRICULAR, WITH SKIN, HAIR, AND NAIL ABNORMALITIES. Identifiers: Orphanet 34217, MedGen C1832600, MONDO:0011017, OMIM 601214.

Submission:

Labcorp Genetics (formerly Invitae), Labcorp
Classification: Uncertain significance for Arrhythmogenic right ventricular dysplasia 12; Naxos disease. Last evaluated: 2022-06-27. Review status: criteria provided, single submitter. Criteria: Invitae Variant Classification Sherloc (09022015). Collection method: clinical testing. Allele origin: germline.
Comment: In summary, the available evidence is currently insufficient to determine the role of this variant in disease. Therefore, it has been classified as a Variant of Uncertain Significance. Algorithms developed to predict the effect of missense changes on protein structure and function are either unavailable or do not agree on the potential impact of this missense change (SIFT: "Deleterious"; PolyPhen-2: "Probably Damaging"; Align-GVGD: "Class C0"). This variant has not been reported in the literature in individuals affected with JUP-related conditions. This variant is not present in population databases (gnomAD no frequency). This sequence change replaces leucine, which is neutral and non-polar, with proline, which is neutral and non-polar, at codon 292 of the JUP protein (p.Leu292Pro).

NM_002230.4(JUP):c.875T>C (p.Leu292Pro)

Gene: JUP (junction plakoglobin; minus strand). Cytogenetic location: 17q21.2.
Variant type: single nucleotide variant.
Coding change: c.875T>C on transcript NM_002230.4 (MANE Select); coding-DNA position 875, T replaced by C.
Protein change: p.Leu292Pro; replaces leucine 292 with proline.
Molecular consequence: missense variant.
Genome position (GRCh38, 1-based): chr17:41,767,413, A>G on the plus strand (T>C on the coding strand, the complement: JUP is on the minus strand). VCF-style: chr17-41767413-A-G. GRCh37 (hg19) VCF-style: chr17-39923665-A-G.
Other names: c.875T>C, p.Leu292Pro (NM_001352773.2, NM_001352774.2, NM_001352775.2 and 3 more transcripts); short protein forms L292P.
Identifiers: ClinVar variation 2011418 (VCV002011418.4), dbSNP rs2544160291, ClinGen allele CA399500684.